The following is an entry in ClinVar:

NM_004491.5(ARHGAP35):c.2614G>A (p.Ala872Thr)

Gene: ARHGAP35 (Rho GTPase activating protein 35; plus strand). Cytogenetic location: 19q13.32.
Variant type: single nucleotide variant.
Coding change: c.2614G>A on transcript NM_004491.5 (MANE Select); coding-DNA position 2614, G replaced by A.
Protein change: p.Ala872Thr; replaces alanine 872 with threonine.
Molecular consequence: missense variant.
Genome position (GRCh38, 1-based): chr19:46,921,289, G>A. VCF-style: chr19-46921289-G-A. GRCh37 (hg19) VCF-style: chr19-47424546-G-A.
Other names: short protein forms A872T.
Identifiers: ClinVar variation 3345592 (VCV003345592.1).

ClinVar aggregate classification (germline): Uncertain significance (0 of 4 stars; one submission).

Conditions:
ARHGAP35-related condition.

Submission:

PreventionGenetics, part of Exact Sciences
Classification: Uncertain significance for ARHGAP35-related condition. Last evaluated: 2024-09-20. Review status: no assertion criteria provided. Collection method: clinical testing. Allele origin: germline.
Comment: The ARHGAP35 c.2614G>A variant is predicted to result in the amino acid substitution p.Ala872Thr. To our knowledge, this variant has not been reported in the literature or in gnomAD, indicating this variant is rare. At this time, the clinical significance of this variant is uncertain due to the absence of conclusive functional and genetic evidence.